The following is an entry in ClinVar:

NM_000548.5(TSC2):c.1831del (p.Arg611fs)

Gene: TSC2 (TSC complex subunit 2; plus strand). Cytogenetic location: 16p13.3.
Variant type: Deletion.
Coding change: c.1831del on transcript NM_000548.5 (MANE Select); coding-DNA position 1831, one base deleted (C; older notation c.1831delC).
Protein change: p.Arg611fs; shifts the reading frame from arginine 611.
Molecular consequence: frameshift variant. On other transcripts: non-coding transcript variant (5).
Genome position (GRCh38, 1-based): chr16:2,070,570, C deleted; the last of 2 consecutive C bases (chr16:2,070,569-2,070,570); deleting either gives the same sequence. VCF-style (leftmost placement, unchanged base first): chr16-2070568-TC-T. GRCh37 (hg19) VCF-style: chr16-2120569-TC-T.
Other names: c.1831del, p.Arg611fs (NM_001077183.3, NM_001114382.3, NM_001363528.2 and 6 more transcripts); c.1720del, p.Arg574fs (NM_001318827.2, NM_001406670.1, NM_001406678.1); c.1684del, p.Arg562fs (NM_001318829.2, NM_001406675.1, NM_001406676.1 and 1 more transcripts); c.1231del, p.Arg411fs (NM_001318831.2, NM_001406680.1, NM_001406682.1 and 6 more transcripts); c.1864del, p.Arg622fs (NM_001318832.2); c.1921del, p.Arg641fs (NM_001406667.1, NM_001406668.1); c.1819del, p.Arg607fs (NM_001406671.1, NM_001406673.1); c.1774del, p.Arg592fs (NM_001406677.1); and 3 more; short protein forms R163fs, R562fs, R77fs, R607fs, R611fs, R641fs, R411fs, R622fs.
Identifiers: ClinVar variation 4712619 (VCV004712619.1).
Genomic context (GRCh38, chr16:2,070,568, plus strand): 5'-TGGTCAGCCACATTCAGCTCCACTACAAGCACAGCTACACCCTGCCAATCGCGAGCAGCA[TC>T]CGGCTGCAGGTATGGTGGCTGGGGTTGCGCAGCCAGTTCCTGGGGGCCCAGCCAGGTATC-3'

ClinVar aggregate classification (germline): Pathogenic (1 of 4 stars; one submission).

Conditions:
Tuberous sclerosis 2 (TSC2). Identifiers: Orphanet 805, MedGen C1860707, MONDO:0013199, OMIM 613254.

Submission:

Labcorp Genetics (formerly Invitae), Labcorp
Classification: Pathogenic for Tuberous sclerosis 2. Last evaluated: 2025-02-09. Review status: criteria provided, single submitter. Criteria: Invitae Variant Classification Sherloc (09022015). Collection method: clinical testing. Allele origin: germline.
Comment: This sequence change creates a premature translational stop signal (p.Arg611Glyfs*87) in the TSC2 gene. It is expected to result in an absent or disrupted protein product. Loss-of-function variants in TSC2 are known to be pathogenic (PMID: 10205261, 17304050). This variant is not present in population databases (gnomAD no frequency). This variant has not been reported in the literature in individuals affected with TSC2-related conditions. For these reasons, this variant has been classified as Pathogenic.

Literature cited by the submitters: PubMed 10205261; PubMed 17304050.